The following is an entry in ClinVar:

NM_002693.3(POLG):c.1865A>C (p.Tyr622Ser)

Gene: POLG (DNA polymerase gamma, catalytic subunit; minus strand). Cytogenetic location: 15q26.1.
Variant type: single nucleotide variant.
Coding change: c.1865A>C on transcript NM_002693.3 (MANE Select); coding-DNA position 1865, A replaced by C.
Protein change: p.Tyr622Ser; replaces tyrosine 622 with serine.
Molecular consequence: missense variant.
Genome position (GRCh38, 1-based): chr15:89,325,534, T>G on the plus strand (A>C on the coding strand, the complement: POLG is on the minus strand). VCF-style: chr15-89325534-T-G. GRCh37 (hg19) VCF-style: chr15-89868765-T-G.
Other names: c.1865A>C, p.Tyr622Ser (NM_001126131.2); short protein forms Y622S.
Identifiers: ClinVar variation 1447745 (VCV001447745.12), dbSNP rs892010680, ClinGen allele CA274554382.
Genomic context (GRCh38, chr15:89,325,534, plus strand): 5'-GACTCCAGGGTGGTACCTGTCGGCAGCTTGGCCAGGTTGTCCCGCCGCCCAGGCACCAAG[T>G]AGCCCCAGCCATGACGCTCTGAGTAGTGCAGAGGGAAGCCATCCCAGGTAAGTGCCATGA-3'
Protein context (NP_002684.1, residues 612-632): LHYSERHGWG[Tyr622Ser]LVPGRRDNLA

ClinVar aggregate classification (germline): Uncertain significance. Review status: criteria provided, multiple submitters, no conflicts (2 of 4 stars). 3 submissions from 3 submitters: Uncertain significance (3). Last evaluated 2026-08-06.

Conditions:
Progressive sclerosing poliodystrophy (MTDPS4A). Also called: ALPERS PROGRESSIVE INFANTILE POLIODYSTROPHY; NEURONAL DEGENERATION OF CHILDHOOD WITH LIVER DISEASE, PROGRESSIVE; Alpers Syndrome; ALPERS DIFFUSE DEGENERATION OF CEREBRAL GRAY MATTER WITH HEPATIC CIRRHOSIS; Alpers-Huttenlocher Syndrome; Mitochondrial DNA Depletion Syndrome 4A. Identifiers: Orphanet 726, MedGen C0205710, MONDO:0008758, OMIM 203700.
Progressive external ophthalmoplegia with mitochondrial DNA deletions, autosomal dominant 1 (PEOA1). Also called: PROGRESSIVE EXTERNAL OPHTHALMOPLEGIA, AUTOSOMAL DOMINANT 1; Autosomal Dominant Progressive External Ophthalmoplegia (adPEO). Identifiers: MedGen C1834846, MONDO:0024528, OMIM 157640.

Allele frequency attached by ClinVar (database versions not stated): TOPMed below 0.00001.

Submissions (3):

OLLIN Analises Genomicas, OLLIN
Classification: Uncertain significance for Progressive external ophthalmoplegia with mitochondrial DNA deletions, autosomal dominant 1. Last evaluated: 2026-08-06. Review status: criteria provided, single submitter. Criteria: ACMG Guidelines 2015 PMID 25741868. Collection method: clinical testing. Allele origin: germline. Inheritance: Autosomal recessive inheritance.
Comment: This missense variant, located in exon 10 (of 23), is absent from gnomAD and has not been identified in the literature. However, it has been reported in ClinVar (accession VCV001447745.10). In silico analysis predicts that this variant has a deleterious effect. According to the currently available evidence, this variant has been classified as uncertain significance (PM2, PP3).

Dasa
Classification: Uncertain significance. Last evaluated: 2026-01-05. Review status: criteria provided, single submitter. Criteria: DASA Assertion Criteria. Collection method: clinical testing. Allele origin: germline.
Comment: NM_002693.3(POLG):c.1865A>C (p.Tyr622Ser) is a missense variant that results in the substitution of tyrosine with serine. This variant is rare in population databases. Computational prediction algorithms are consistent with a deleterious effect. The currently available literature and clinical evidence are not sufficient to establish a definitive association between this variant and the reported condition. Therefore, this variant is classified as a variant of uncertain significance.

Labcorp Genetics (formerly Invitae), Labcorp
Classification: Uncertain significance for Progressive sclerosing poliodystrophy. Last evaluated: 2025-12-16. Review status: criteria provided, single submitter. Criteria: Invitae Variant Classification Sherloc (09022015). Collection method: clinical testing. Allele origin: germline.
Comment: This sequence change replaces tyrosine, which is neutral and polar, with serine, which is neutral and polar, at codon 622 of the POLG protein (p.Tyr622Ser). This variant is not present in population databases (gnomAD no frequency). This variant has not been reported in the literature in individuals affected with POLG-related conditions. ClinVar contains an entry for this variant (Variation ID: 1447745). Invitae Evidence Modeling of protein sequence and biophysical properties (such as structural, functional, and spatial information, amino acid conservation, physicochemical variation, residue mobility, and thermodynamic stability) indicates that this missense variant is expected to disrupt POLG protein function with a positive predictive value of 95%. In summary, the available evidence is currently insufficient to determine the role of this variant in disease. Therefore, it has been classified as a Variant of Uncertain Significance.